The following is an entry in ClinVar:

ClinVar aggregate classification (germline): Uncertain significance (1 of 4 stars; one submission).

Submission:

GeneDx
Classification: Uncertain significance. Last evaluated: 2025-08-05. Review status: criteria provided, single submitter. Criteria: GeneDx Variant Classification Process June 2021. Collection method: clinical testing. Allele origin: germline. Affected: yes.
Comment: Not observed at significant frequency in large population cohorts (gnomAD); In silico analysis suggests that this missense variant does not alter protein structure/function; Has not been previously published as pathogenic or benign to our knowledge

NM_001145358.2(SIN3A):c.1367G>A (p.Ser456Asn)

Gene: SIN3A (SIN3 transcription regulator family member A; minus strand). Cytogenetic location: 15q24.2.
Variant type: single nucleotide variant.
Coding change: c.1367G>A on transcript NM_001145358.2 (MANE Select); coding-DNA position 1367, G replaced by A.
Protein change: p.Ser456Asn; replaces serine 456 with asparagine.
Molecular consequence: missense variant.
Genome position (GRCh38, 1-based): chr15:75,407,095, C>T on the plus strand (G>A on the coding strand, the complement: SIN3A is on the minus strand). VCF-style: chr15-75407095-C-T. GRCh37 (hg19) VCF-style: chr15-75699436-C-T.
Other names: c.1367G>A, p.Ser456Asn (NM_001145357.2, NM_001437462.1, NM_001437463.1 and 1 more transcripts); short protein forms S456N.
Identifiers: ClinVar variation 4756093 (VCV004756093.1).
Genomic context (GRCh38, chr15:75,407,095, plus strand): 5'-CTAACTCATCCATTACTCACCTTATCAAAAAATAACGATTCTGTTCCACCACCATGTTTG[C>T]TGGCATCTGCCATAGAAGAATCCTTCAGATTGAGCAGTTTGGGTTTCTTCTGCAAAAGAA-3'
Protein context (NP_001138830.1, residues 446-466): NLKDSSMADA[Ser456Asn]KHGGGTESLF